The following is an entry in ClinVar:

ClinVar aggregate classification (germline): Conflicting classifications of pathogenicity. Review status: criteria provided, conflicting classifications (1 of 4 stars). 2 submissions from 2 submitters: Uncertain significance (1); Likely benign (1). Last evaluated 2025-07-21.

Conditions:
Cardiovascular phenotype. Identifiers: MedGen CN230736.
Hypercholesterolemia, autosomal dominant, type B (FHCL2). Also called: APOB-Related Familial Hypercholesterolemia, Autosomal Dominant; Familial Hypercholesterolemia Type B; APOLIPOPROTEIN B-100, FAMILIAL DEFECTIVE; APOLIPOPROTEIN B-100, FAMILIAL LIGAND-DEFECTIVE; HYPERCHOLESTEROLEMIA, FAMILIAL, DUE TO LIGAND-DEFECTIVE APOLIPOPROTEIN B; Hyperlipoproteinemia Type IIb. Identifiers: MedGen C1704417, MONDO:0007751, OMIM 144010.
Familial hypobetalipoproteinemia 1. Also called: Hypobetalipoproteinemia, normotriglyceridemic; Acanthocytosis with hypobetalipoproteinemia; APOB-Related Familial Hypobetalipoproteinemia. Identifiers: MedGen C4551990, MONDO:0014252, OMIM 615558.

Allele frequency attached by ClinVar (database versions not stated): gnomAD exomes 0.00001; TOPMed 0.00001; ExAC 0.00002.
gnomAD v4.1: 8 of 1,614,196 alleles (0.0005%); highest among the groups gnomAD compares: East Asian, 0.011%; no homozygotes.

Submissions (2):

Ambry Genetics
Classification: Uncertain significance for Cardiovascular phenotype. Last evaluated: 2025-07-21. Review status: criteria provided, single submitter. Criteria: Ambry Variant Classification Scheme 2023. Collection method: clinical testing. Allele origin: germline.
Comment: The p.H1329R variant (also known as c.3986A>G), located in coding exon 25 of the APOB gene, results from an A to G substitution at nucleotide position 3986. The histidine at codon 1329 is replaced by arginine, an amino acid with highly similar properties. This amino acid position is conserved. In addition, this alteration is predicted to be tolerated by in silico analysis. Based on the available evidence, the clinical significance of this variant remains unclear.

Labcorp Genetics (formerly Invitae), Labcorp
Classification: Likely benign for Familial hypobetalipoproteinemia 1; Hypercholesterolemia, autosomal dominant, type B. Last evaluated: 2023-09-07. Review status: criteria provided, single submitter. Criteria: Invitae Variant Classification Sherloc (09022015). Collection method: clinical testing. Allele origin: germline.

NM_000384.3(APOB):c.3986A>G (p.His1329Arg)

Gene: APOB (apolipoprotein B; minus strand). Cytogenetic location: 2p24.1.
Variant type: single nucleotide variant.
Coding change: c.3986A>G on transcript NM_000384.3 (MANE Select); coding-DNA position 3986, A replaced by G.
Protein change: p.His1329Arg; replaces histidine 1329 with arginine.
Molecular consequence: missense variant.
Genome position (GRCh38, 1-based): chr2:21,013,390, T>C on the plus strand (A>G on the coding strand, the complement: APOB is on the minus strand). VCF-style: chr2-21013390-T-C. GRCh37 (hg19) VCF-style: chr2-21236262-T-C.
Other names: c.3986A>G (NM_000384.2); short protein forms H1329R.
Identifiers: ClinVar variation 2927973 (VCV002927973.4), dbSNP rs771332891, ClinGen allele CA060295.